The following is an entry in ClinVar:

NM_001145809.2(MYH14):c.973+233C>T

Gene: MYH14 (myosin heavy chain 14; plus strand). Cytogenetic location: 19q13.33.
Variant type: single nucleotide variant.
Coding change: c.973+233C>T on transcript NM_001145809.2 (MANE Select); 233 bases into the intron after coding-DNA position 973, C replaced by T.
Molecular consequence: intron variant.
Genome position (GRCh38, 1-based): chr19:50,230,856, C>T. VCF-style: chr19-50230856-C-T. GRCh37 (hg19) VCF-style: chr19-50734113-C-T.
Other names: c.973+233C>T (NM_001077186.2); c.949+233C>T (NM_024729.4).
Identifiers: ClinVar variation 2498792 (VCV002498792.28), dbSNP rs554355738, ClinGen allele CA309583417.

ClinVar aggregate classification (germline): Benign (1 of 4 stars; one submission).

Allele frequency attached by ClinVar (database versions not stated): 1000 Genomes Project 0.00080; 1000 Genomes Project 30x 0.00141; TOPMed 0.00336; gnomAD 0.00338; gnomAD exomes 0.00362.
gnomAD v4.1: 1,828 of 514,176 alleles (0.36%); highest among the groups gnomAD compares: Non-Finnish European, 0.51%; 7 homozygotes.

Submission:

CeGaT Center for Human Genetics Tuebingen
Classification: Benign. Last evaluated: 2023-01-01. Review status: criteria provided, single submitter. Criteria: CeGaT Center For Human Genetics Tuebingen Variant Classification Criteria Version 2. Collection method: clinical testing. Allele origin: germline. Affected: yes. Observed: 3 variant alleles.
Comment: MYH14: BS1, BS2